The following is an entry in ClinVar:

NM_001009999.3(KDM1A):c.230C>T (p.Pro77Leu)

Gene: KDM1A (lysine demethylase 1A; plus strand). Cytogenetic location: 1p36.12.
Variant type: single nucleotide variant.
Coding change: c.230C>T on transcript NM_001009999.3 (MANE Select); coding-DNA position 230, C replaced by T.
Protein change: p.Pro77Leu; replaces proline 77 with leucine.
Molecular consequence: missense variant.
Genome position (GRCh38, 1-based): chr1:23,019,826, C>T. VCF-style: chr1-23019826-C-T. GRCh37 (hg19) VCF-style: chr1-23346319-C-T.
Other names: c.230C>T, p.Pro77Leu (NM_001363654.2, NM_001410762.1, NM_001410763.1 and 1 more transcripts); short protein forms P77L.
Identifiers: ClinVar variation 3863297 (VCV003863297.1).

ClinVar aggregate classification (germline): Uncertain significance (1 of 4 stars; one submission).

Conditions:
Inborn genetic diseases. Identifiers: MedGen C0950123, MeSH D030342.

Submission:

Ambry Genetics
Classification: Uncertain significance for Inborn genetic diseases. Last evaluated: 2025-01-31. Review status: criteria provided, single submitter. Criteria: Ambry Variant Classification Scheme 2023. Collection method: clinical testing. Allele origin: germline.
Comment: The p.P77L variant (also known as c.230C>T), located in coding exon 1 of the KDM1A gene, results from a C to T substitution at nucleotide position 230. The proline at codon 77 is replaced by leucine, an amino acid with similar properties. This amino acid position is conserved. In addition, this alteration is predicted to be tolerated by in silico analysis. Based on the available evidence, the clinical significance of this variant remains unclear.